The following is an entry in ClinVar:

ClinVar aggregate classification (germline): Uncertain significance (1 of 4 stars; one submission).

Allele frequency attached by ClinVar (database versions not stated): TOPMed below 0.00001; gnomAD exomes 0.00001.
gnomAD v4.1: 8 of 1,614,092 alleles (0.0005%); highest among the groups gnomAD compares: Non-Finnish European, 0.00068%; no homozygotes.

Submission:

Labcorp Genetics (formerly Invitae), Labcorp
Classification: Uncertain significance. Last evaluated: 2022-07-05. Review status: criteria provided, single submitter. Criteria: Invitae Variant Classification Sherloc (09022015). Collection method: clinical testing. Allele origin: germline.
Comment: In summary, the available evidence is currently insufficient to determine the role of this variant in disease. Therefore, it has been classified as a Variant of Uncertain Significance. Advanced modeling of protein sequence and biophysical properties (such as structural, functional, and spatial information, amino acid conservation, physicochemical variation, residue mobility, and thermodynamic stability) performed at Invitae indicates that this missense variant is not expected to disrupt TGM6 protein function. This missense change has been observed in individual(s) with TGM6-related conditions (PMID: 33588035). This variant is not present in population databases (gnomAD no frequency). This sequence change replaces valine, which is neutral and non-polar, with glycine, which is neutral and non-polar, at codon 626 of the TGM6 protein (p.Val626Gly).

Literature cited by the submitters: PubMed 33588035.

NM_198994.3(TGM6):c.1877T>G (p.Val626Gly)

Gene: TGM6 (transglutaminase 6; plus strand). Cytogenetic location: 20p13.
Variant type: single nucleotide variant.
Coding change: c.1877T>G on transcript NM_198994.3 (MANE Select); coding-DNA position 1877, T replaced by G.
Protein change: p.Val626Gly; replaces valine 626 with glycine.
Molecular consequence: missense variant. On other transcripts: intron variant (1).
Genome position (GRCh38, 1-based): chr20:2,430,937, T>G. VCF-style: chr20-2430937-T-G. GRCh37 (hg19) VCF-style: chr20-2411583-T-G.
Other names: c.1833+337T>G (NM_001254734.2); short protein forms V626G.
Identifiers: ClinVar variation 1965342 (VCV001965342.5), dbSNP rs1038590417, ClinGen allele CA408017135.